The following is an entry in ClinVar:

ClinVar aggregate classification (germline): not provided (0 of 4 stars; one submission).

Conditions:
Preeclampsia. Identifiers: Orphanet 275555, MedGen C0032914, MONDO:0005081, HP:0100602.

Submission:

Institute of Molecular and Cell Biology, University of Tartu
No classification provided. Condition: Preeclampsia. Review status: no classification provided. Collection method: case-control. Allele origin: unknown. Affected: yes. Study: Kasak2014.
Comment: The study aimed to determine the contribution of copy number variants in the genetic etiology of normal and complicated pregnancies. The samples represented (i) maternal blood DNA drawn from healthy pregnant women during 1st or 2nd trimester and (ii) maternal and paternal blood DNA drawn at term pregnancy cases representing normal and complicated gestations (severe preeclampsia, PE; gestational diabetes, GD; small-for-gestational age newborn, SGA; large-for-gestational age newborn, LGA). We performed CNV calling based on genome-wide genotyping dataset (Illumina HumanOmniExpress-24-v1 BeadChip) by applying three algorithms, QuantiSNP, GADA (Genome Alteration Detection Algorithm) and CNstream in parallel. The acquired CNV calls were merged with HD-CNV (Hotspot Detector for Copy Number Variants) program and only the CNVs predicted by at least two programs, were considered in subsequent analysis.

Literature cited by the submitters: PubMed 25666259.

NM_001004708.1(OR4D6):c.-19514_20175del

Genes: OR4D10 (olfactory receptor family 4 subfamily D member 10; plus strand), OR4D6 (olfactory receptor family 4 subfamily D member 6; plus strand), OR5A1 (olfactory receptor family 5 subfamily A member 1; plus strand). Cytogenetic location: 11q12.1.
Variant type: Deletion.
Coding change: c.-19514_20175del on transcript NM_001004708.1; 19514 bases upstream of the start codon through coding-DNA position 20175, this stretch deleted.
Identifiers: ClinVar variation 157205 (VCV000157205.2).